The following is an entry in ClinVar:

ClinVar aggregate classification (germline): Pathogenic/Likely pathogenic. Review status: criteria provided, multiple submitters, no conflicts (2 of 4 stars). 3 submissions from 3 submitters: Pathogenic (2); Likely pathogenic (1). Last evaluated 2025-03-04.

Conditions:
Noonan syndrome and Noonan-related syndrome. Identifiers: Orphanet 98733, MedGen C5681679, MONDO:0020297.
Noonan syndrome 8 (NS8). Identifiers: Orphanet 648, MedGen C3809233, MONDO:0014143, OMIM 615355.

Submissions (3):

Labcorp Genetics (formerly Invitae), Labcorp
Classification: Pathogenic for Noonan syndrome 8. Last evaluated: 2025-03-04. Review status: criteria provided, single submitter. Criteria: Invitae Variant Classification Sherloc (09022015). Collection method: clinical testing. Allele origin: germline.
Comment: This sequence change replaces aspartic acid, which is acidic and polar, with histidine, which is basic and polar, at codon 87 of the RIT1 protein (p.Asp87His). This variant is not present in population databases (gnomAD no frequency). This missense change has been observed in individuals with clinical features of RASopathy spectrum disorders (PMID: 29402968; internal data). ClinVar contains an entry for this variant (Variation ID: 280151). Invitae Evidence Modeling of protein sequence and biophysical properties (such as structural, functional, and spatial information, amino acid conservation, physicochemical variation, residue mobility, and thermodynamic stability) indicates that this missense variant is expected to disrupt RIT1 protein function with a positive predictive value of 95%. Experimental studies have shown that this missense change affects RIT1 function (PMID: 29402968). This missense change is located in a region of the RIT1 protein where a significant number of previously reported RIT1 missense mutations are found (PMID: 27101134, 30872527, 26757980). These observations suggest that this may be a clinically significant region of the protein. For these reasons, this variant has been classified as Pathogenic.

Genome Diagnostics Laboratory, The Hospital for Sick Children
Classification: Likely pathogenic for Noonan syndrome and Noonan-related syndrome. Last evaluated: 2019-11-26. Review status: criteria provided, single submitter. Criteria: ACMG Guidelines, 2015. Collection method: clinical testing. Allele origin: germline. Affected: yes.
Comment: This missense variant results in a change from aspartic acid to histidine at amino acid position 87. It has previously been reported in an individual with Noonan syndrome (PMID: 29402968). Functional studies showed abnormal function of the protein carrying the variant (PMID: 29402968). This variant is in a mutational hot spot. It has not been reported in population controls of the Genome Aggregation Database (gnomAD). In silico prediction programs predict that this variant to impact protein function. Based on the evidence above, this variant is interpreted as likely pathogenic (ACMG criteria - PM1, PM2, PP3, PP5).

GeneDx
Classification: Pathogenic. Last evaluated: 2018-12-13. Review status: criteria provided, single submitter. Criteria: GeneDx Variant Classification (06012015). Collection method: clinical testing. Allele origin: germline. Affected: yes.
Comment: The D87H variant has been observed in a patient with clinical suspicion and multiple features of a RASopathy (Leung et al., 2018). This variant was not observed in large population cohorts (Lek et al,. 2016). This substitution occurs at a position that is conserved across species, which is likely to impact secondary protein structure as these residues differ in polarity, charge, size and/or other properties. Additionally, in silico analysis predicts this variant is probably damaging to the protein structure/function. Published functional studies of the D87H variant demonstrate in vitro activation of the RAS/MAPK signaling pathway and in vivo typical craniofacial and heart phenotypes of Noonan syndrome (Leung et al., 2018). Missense variants in nearby residues (F82V/L, T83P, Y89H, M90V/I) have been reported in the Human Gene Mutation Database in association with Noonan syndrome (Stenson et al., 2014), supporting the functional importance of this region of the protein. Therefore, we classify this variant as pathogenic.

Literature cited by the submitters: PubMed 29402968 (cited by Labcorp Genetics (formerly Invitae), Labcorp); PubMed 27101134 (cited by Labcorp Genetics (formerly Invitae), Labcorp); PubMed 30872527 (cited by Labcorp Genetics (formerly Invitae), Labcorp); PubMed 26757980 (cited by Labcorp Genetics (formerly Invitae), Labcorp).

NM_006912.6(RIT1):c.259G>C (p.Asp87His)

Gene: RIT1 (Ras like without CAAX 1; minus strand). Cytogenetic location: 1q22.
Variant type: single nucleotide variant.
Coding change: c.259G>C on transcript NM_006912.6 (MANE Select); coding-DNA position 259, G replaced by C.
Protein change: p.Asp87His; replaces aspartic acid 87 with histidine.
Molecular consequence: missense variant.
Genome position (GRCh38, 1-based): chr1:155,904,481, C>G on the plus strand (G>C on the coding strand, the complement: RIT1 is on the minus strand). VCF-style: chr1-155904481-C-G. GRCh37 (hg19) VCF-style: chr1-155874272-C-G.
Other names: c.259G>C, p.Asp87His (LRG_1372t1); c.151G>C, p.Asp51His (NM_001256820.2); c.310G>C, p.Asp104His (NM_001256821.2); short protein forms D87H, D104H, D51H.
Identifiers: ClinVar variation 280151 (VCV000280151.14), dbSNP rs886041414, ClinGen allele CA10602741.